The following is an entry in ClinVar:

NM_012414.4(RAB3GAP2):c.1667T>G (p.Leu556Arg)

Gene: RAB3GAP2 (RAB3 GTPase activating non-catalytic protein subunit 2; minus strand). Cytogenetic location: 1q41.
Variant type: single nucleotide variant.
Coding change: c.1667T>G on transcript NM_012414.4 (MANE Select); coding-DNA position 1667, T replaced by G.
Protein change: p.Leu556Arg; replaces leucine 556 with arginine.
Molecular consequence: missense variant.
Genome position (GRCh38, 1-based): chr1:220,190,111, A>C on the plus strand (T>G on the coding strand, the complement: RAB3GAP2 is on the minus strand). VCF-style: chr1-220190111-A-C. GRCh37 (hg19) VCF-style: chr1-220363453-A-C.
Other names: short protein forms L556R.
Identifiers: ClinVar variation 1939956 (VCV001939956.5), dbSNP rs2528678622, ClinGen allele CA344644881.

ClinVar aggregate classification (germline): Uncertain significance (1 of 4 stars; one submission).

Conditions:
Martsolf syndrome (MARTS). Also called: Congenital cataract with intellectual disability and hypogonadotropic hypogonadism syndrome. Identifiers: Orphanet 1387, MedGen C0796037, MONDO:0023910.
Warburg micro syndrome 2 (WARBM2). Also called: MICRO SYNDROME 2. Identifiers: Orphanet 2510, MedGen C3280214, MONDO:0013641, OMIM 614225.

Submission:

Labcorp Genetics (formerly Invitae), Labcorp
Classification: Uncertain significance for Martsolf syndrome; Warburg micro syndrome 2. Last evaluated: 2022-07-21. Review status: criteria provided, single submitter. Criteria: Invitae Variant Classification Sherloc (09022015). Collection method: clinical testing. Allele origin: germline.
Comment: In summary, the available evidence is currently insufficient to determine the role of this variant in disease. Therefore, it has been classified as a Variant of Uncertain Significance. Algorithms developed to predict the effect of missense changes on protein structure and function are either unavailable or do not agree on the potential impact of this missense change (SIFT: "Deleterious"; PolyPhen-2: "Probably Damaging"; Align-GVGD: "Class C0"). This variant has not been reported in the literature in individuals affected with RAB3GAP2-related conditions. This variant is not present in population databases (gnomAD no frequency). This sequence change replaces leucine, which is neutral and non-polar, with arginine, which is basic and polar, at codon 556 of the RAB3GAP2 protein (p.Leu556Arg).